The following is an entry in ClinVar:

NC_000009.12:g.35658039_35658040insTTCTCAGCTTCACAGAGT

Gene: RMRP (RNA component of mitochondrial RNA processing endoribonuclease; minus strand). Cytogenetic location: 9p13.3.
Variant type: Insertion.
Genome position: GRCh38 VCF-style: chr9-35658023-C-CCTCAGCTTCACAGAGTTT. GRCh37 (hg19) VCF-style: chr9-35658020-C-CCTCAGCTTCACAGAGTTT.
Identifiers: ClinVar variation 2503874 (VCV002503874.1), dbSNP rs1554651451, ClinGen allele CA2580616184.

ClinVar aggregate classification (germline): Likely pathogenic (1 of 4 stars; one submission).

Conditions:
Metaphyseal chondrodysplasia, McKusick type (CHH). Also called: Cartilage-Hair Hypoplasia (CHH); Cartilage-hair hypoplasia. Identifiers: Orphanet 175, MedGen C0220748, MONDO:0009595, OMIM 250250.

Submission:

Women's Health and Genetics/Laboratory Corporation of America, LabCorp
Classification: Likely pathogenic for Metaphyseal chondrodysplasia, McKusick type. Last evaluated: 2023-04-28. Review status: criteria provided, single submitter. Criteria: LabCorp Variant Classification Summary - May 2015. Collection method: clinical testing. Allele origin: germline.
Comment: Variant summary: RMRP n.-6_-5ins18 involves the insertion of 18 nucleotides in the promoter region of RMRP, which is located between the TATA box (-33 to -25) and the transcription initiation site. Other insertions or duplications in the promoter region of RMRP have been classified as pathogenic (internally and in ClinVar). The variant was absent in 127922 control chromosomes. To our knowledge, no occurrence of n.-6_-5ins18 in individuals affected with Cartilage-Hair Hypoplasia and no experimental evidence demonstrating its impact on protein function have been reported. However, many other insertions or duplications in the promoter region of RMRP have been reported in affected individuals in the literature (e.g. PMIDs: 21956908, 21396580, 11207361, 16244706) and have been demonstrated through functional studies to lead to reduced RMRP transcription (e.g. PMIDs: 11207361, 16254002, 17937437). No clinical diagnostic laboratories have submitted clinical-significance assessments for this variant to ClinVar after 2014. Based on the evidence outlined above, the variant was classified as likely pathogenic.